The following is an entry in ClinVar:

NM_001394062.1(MACF1):c.2429G>T (p.Cys810Phe)

Gene: MACF1 (microtubule actin crosslinking factor 1; plus strand). Cytogenetic location: 1p34.3.
Variant type: single nucleotide variant.
Coding change: c.2429G>T on transcript NM_001394062.1 (MANE Select); coding-DNA position 2429, G replaced by T.
Protein change: p.Cys810Phe; replaces cysteine 810 with phenylalanine.
Molecular consequence: missense variant.
Genome position (GRCh38, 1-based): chr1:39,297,693, G>T. VCF-style: chr1-39297693-G-T. GRCh37 (hg19) VCF-style: chr1-39763365-G-T.
Other names: c.2444G>T, p.Cys815Phe (NM_012090.5); c.2444G>T (NM_012090.4); short protein forms C815F, C810F.
Identifiers: ClinVar variation 777558 (VCV000777558.36), dbSNP rs148207245, ClinGen allele CA779706.

ClinVar aggregate classification (germline): Likely benign. Review status: criteria provided, multiple submitters, no conflicts (2 of 4 stars). 6 submissions from 6 submitters: Likely benign (5). 1 of the submissions does not count toward it. Last evaluated 2026-09-01.

Conditions:
MACF1-related disorder. Also called: MACF1-related condition.
Inborn genetic diseases. Identifiers: MedGen C0950123, MeSH D030342.

Allele frequency attached by ClinVar (database versions not stated): 1000 Genomes Project 30x 0.00187; 1000 Genomes Project 0.00200; gnomAD 0.00488 and 0.00510; gnomAD exomes 0.00489; ExAC 0.00507; TOPMed 0.00511; ESP Exome Variant Server 0.00554.
gnomAD v4.1: 12,264 of 1,614,104 alleles (0.76%); highest among the groups gnomAD compares: Non-Finnish European, 0.93%; 69 homozygotes.

Submissions (6):

CeGaT Center for Human Genetics Tuebingen
Classification: Likely benign. Last evaluated: 2026-09-01. Review status: criteria provided, single submitter. Criteria: CeGaT Center For Human Genetics Tuebingen Variant Classification Criteria Version 2. Collection method: clinical testing. Allele origin: germline. Affected: yes. Observed: 16 variant alleles.
Comment: MACF1: BS2

Labcorp Genetics (formerly Invitae), Labcorp
Classification: Likely benign. Last evaluated: 2026-02-01. Review status: criteria provided, single submitter. Criteria: Invitae Variant Classification Sherloc (09022015). Collection method: clinical testing. Allele origin: germline.

Ambry Genetics
Classification: Likely benign for Inborn genetic diseases. Last evaluated: 2024-12-10. Review status: criteria provided, single submitter. Criteria: Ambry Variant Classification Scheme 2023. Collection method: clinical testing. Allele origin: germline.

Blueprint Genetics
Classification: Likely benign. Last evaluated: 2024-11-25. Review status: criteria provided, single submitter. Criteria: ACMG Guidelines, 2015. Collection method: clinical testing. Allele origin: germline.

Breakthrough Genomics
Classification: Likely benign. Review status: criteria provided, single submitter. Criteria: ACMG Guidelines, 2015. Collection method: not provided. Allele origin: germline. Inheritance: Autosomal dominant inheritance. Affected: yes.

PreventionGenetics, part of Exact Sciences
Classification: Benign for MACF1-related condition. Last evaluated: 2019-07-10. Review status: no assertion criteria provided. Collection method: clinical testing. Allele origin: germline. Not counted in ClinVar's aggregate classification.
Comment: This variant is classified as benign based on ACMG/AMP sequence variant interpretation guidelines (Richards et al. 2015 PMID: 25741868, with internal and published modifications).